The following is an entry in ClinVar:

ClinVar aggregate classification (germline): Uncertain significance (1 of 4 stars; one submission).

Conditions:
Koolen-de Vries syndrome (KDVS). Identifiers: Orphanet 96169, MedGen C1864871, MONDO:0012496, OMIM 610443.

Allele frequency attached by ClinVar (database versions not stated): gnomAD exomes below 0.00001.
gnomAD v4.1: 2 of 1,614,148 alleles (0.00012%); highest among the groups gnomAD compares: Non-Finnish European, 0.00017%; no homozygotes.

Submission:

Labcorp Genetics (formerly Invitae), Labcorp
Classification: Uncertain significance for Koolen-de Vries syndrome. Last evaluated: 2018-02-07. Review status: criteria provided, single submitter. Criteria: Invitae Variant Classification Sherloc (09022015). Collection method: clinical testing. Allele origin: germline.
Comment: In summary, the available evidence is currently insufficient to determine the role of this variant in disease. Therefore, it has been classified as a Variant of Uncertain Significance. Algorithms developed to predict the effect of missense changes on protein structure and function output the following: SIFT: "Tolerated"; PolyPhen-2: "Benign"; Align-GVGD: "Class C0". The leucine amino acid residue is found in multiple mammalian species, suggesting that this missense change does not adversely affect protein function. These predictions have not been confirmed by published functional studies and their clinical significance is uncertain. This variant has not been reported in the literature in individuals with KANSL1-related disease. This variant is not present in population databases (ExAC no frequency). This sequence change replaces phenylalanine with leucine at codon 275 of the KANSL1 protein (p.Phe275Leu). The phenylalanine residue is highly conserved and there is a small physicochemical difference between phenylalanine and leucine.

NM_015443.4(KANSL1):c.823T>C (p.Phe275Leu)

Gene: KANSL1 (KAT8 regulatory NSL complex subunit 1). Cytogenetic location: 17q21.31.
Variant type: single nucleotide variant.
Coding change: c.823T>C on transcript NM_015443.4 (MANE Select); coding-DNA position 823, T replaced by C.
Protein change: p.Phe275Leu; replaces phenylalanine 275 with leucine.
Molecular consequence: missense variant.
Genome position (GRCh38, 1-based): chr17:46,171,321, A>G on the plus strand (T>C on the coding strand, the complement: KANSL1 is on the minus strand). VCF-style: chr17-46171321-A-G. GRCh37 (hg19) VCF-style: chr17-44248687-A-G.
Other names: c.823T>C, p.Phe275Leu (NM_001193465.2, NM_001193466.2, NM_001379198.1); short protein forms F275L.
Identifiers: ClinVar variation 577972 (VCV000577972.8), dbSNP rs1567762510, ClinGen allele CA399980596.